The following is an entry in ClinVar:

ClinVar aggregate classification (germline): Uncertain significance. Review status: criteria provided, multiple submitters, no conflicts (2 of 4 stars). 2 submissions from 2 submitters: Uncertain significance (2). Last evaluated 2025-11-19.

Conditions:
Melanoma, cutaneous malignant, susceptibility to, 5. Also called: Cutaneous malignant melanoma 5. Identifiers: Orphanet 618, MedGen C2751295, MONDO:0013133, OMIM 613099.

Allele frequency attached by ClinVar (database versions not stated): gnomAD 0.00007; gnomAD exomes 0.00007; ExAC 0.00008; ESP Exome Variant Server 0.00008; TOPMed 0.00008.

Submissions (2):

Labcorp Genetics (formerly Invitae), Labcorp
Classification: Uncertain significance for Melanoma, cutaneous malignant, susceptibility to, 5. Last evaluated: 2025-11-19. Review status: criteria provided, single submitter. Criteria: Invitae Variant Classification Sherloc (09022015). Collection method: clinical testing. Allele origin: germline.
Comment: This sequence change replaces threonine, which is neutral and polar, with isoleucine, which is neutral and non-polar, at codon 19 of the MC1R protein (p.Thr19Ile). This variant is present in population databases (rs372041071, gnomAD 0.01%). This missense change has been observed in individual(s) with melanoma (PMID: 15998953). ClinVar contains an entry for this variant (Variation ID: 406212). An algorithm developed to predict the effect of missense changes on protein structure and function (PolyPhen-2) suggests that this variant is likely to be tolerated. In summary, the available evidence is currently insufficient to determine the role of this variant in disease. Therefore, it has been classified as a Variant of Uncertain Significance.

Blueprint Genetics
Classification: Uncertain significance. Last evaluated: 2024-11-19. Review status: criteria provided, single submitter. Criteria: ACMG Guidelines, 2015. Collection method: clinical testing. Allele origin: germline.

Literature cited by the submitters: PubMed 15998953 (cited by Labcorp Genetics (formerly Invitae), Labcorp).

NM_002386.4(MC1R):c.56C>T (p.Thr19Ile)

Gene: MC1R (melanocortin 1 receptor; plus strand). Cytogenetic location: 16q24.3.
Variant type: single nucleotide variant.
Coding change: c.56C>T on transcript NM_002386.4 (MANE Select); coding-DNA position 56, C replaced by T.
Protein change: p.Thr19Ile; replaces threonine 19 with isoleucine.
Molecular consequence: missense variant.
Genome position (GRCh38, 1-based): chr16:89,919,314, C>T. VCF-style: chr16-89919314-C-T. GRCh37 (hg19) VCF-style: chr16-89985722-C-T.
Other names: short protein forms T19I.
Identifiers: ClinVar variation 406212 (VCV000406212.8), dbSNP rs372041071, ClinGen allele CA8255471.